The following is an entry in ClinVar:

NM_018013.4(SOBP):c.2292G>A (p.Ala764=)

Gene: SOBP (sine oculis binding protein homolog; plus strand). Cytogenetic location: 6q21.
Variant type: single nucleotide variant.
Coding change: c.2292G>A on transcript NM_018013.4 (MANE Select); coding-DNA position 2292, G replaced by A.
Protein change: p.Ala764=; no amino-acid change (alanine 764 retained).
Molecular consequence: synonymous variant.
Genome position (GRCh38, 1-based): chr6:107,635,136, G>A. VCF-style: chr6-107635136-G-A. GRCh37 (hg19) VCF-style: chr6-107956340-G-A.
Identifiers: ClinVar variation 3048361 (VCV003048361.2), dbSNP rs571214895, ClinGen allele CA3946646.
Genomic context (GRCh38, chr6:107,635,136, plus strand): 5'-GCCGCCGCCGCCGCCGCCGCCCGCGCCCCCCAAGAAGCTGCTGTCGCCTGAGGAACCGGC[G>A]GTGAGCGAGCTAGAGTCGGTCAAGGAGAATAACTGTGCTTCCAACTGCCACCTGGACGGG-3'
Protein context (NP_060483.3, residues 754-774): PKKLLSPEEP[Ala764=]VSELESVKEN

ClinVar aggregate classification (germline): Likely benign (0 of 4 stars; one submission).

Conditions:
SOBP-related disorder. Also called: SOBP-related condition.

Allele frequency attached by ClinVar (database versions not stated): TOPMed 0.00001; gnomAD exomes 0.00003; gnomAD 0.00004; ExAC 0.00010; 1000 Genomes Project 30x 0.00031; 1000 Genomes Project 0.00040.
gnomAD v4.1: 61 of 1,613,118 alleles (0.0038%); highest among the groups gnomAD compares: South Asian, 0.059%; 1 homozygote.

Submission:

PreventionGenetics, part of Exact Sciences
Classification: Likely benign for SOBP-related condition. Last evaluated: 2019-11-16. Review status: no assertion criteria provided. Collection method: clinical testing. Allele origin: germline.
Comment: This variant is classified as likely benign based on ACMG/AMP sequence variant interpretation guidelines (Richards et al. 2015 PMID: 25741868, with internal and published modifications).